The following is an entry in ClinVar:

NM_007215.4(POLG2):c.1269C>T (p.Ser423=)

Genes: MILR1 (mast cell immunoglobulin like receptor 1; plus strand), POLG2 (DNA polymerase gamma 2, accessory subunit; minus strand). Cytogenetic location: 17q23.3.
Variant type: single nucleotide variant.
Coding change: c.1269C>T on transcript NM_007215.4 (MANE Select); coding-DNA position 1269, C replaced by T.
Protein change: p.Ser423=; no amino-acid change (serine 423 retained).
Molecular consequence: synonymous variant.
Genome position (GRCh38, 1-based): chr17:64,480,312, G>A on the plus strand (C>T on the coding strand, the complement: POLG2 is on the minus strand). VCF-style: chr17-64480312-G-A. GRCh37 (hg19) VCF-style: chr17-62476429-G-A.
Other names: p.S423S:TCC>TCT.
Identifiers: ClinVar variation 138784 (VCV000138784.18), dbSNP rs61733782, ClinGen allele CA292889.
Genomic context (GRCh38, chr17:64,480,312, plus strand): 5'-GAATAAATACACTCTTTAATGAAAATACAATTCTTACTTCGAATAAAGTTGTTCCAATGA[G>A]GACTGCATAGTTTCCAAATAACCAGGCCACACAGAAATCCCATTTTCTAGTAACTCATTA-3'
Protein context (NP_009146.2, residues 413-433): VWPGYLETMQ[Ser423=]SLEQLYSKYD

ClinVar aggregate classification (germline): Benign. Review status: criteria provided, multiple submitters, no conflicts (2 of 4 stars). 6 submissions from 6 submitters: Benign (5). 1 of the submissions does not count toward it. Last evaluated 2026-02-03.

Conditions:
Progressive external ophthalmoplegia with mitochondrial DNA deletions, autosomal dominant 4. Also called: PROGRESSIVE EXTERNAL OPHTHALMOPLEGIA, AUTOSOMAL DOMINANT 4. Identifiers: MedGen C1864668, MONDO:0012415, OMIM 610131.

Allele frequency attached by ClinVar (database versions not stated): gnomAD exomes 0.05966 and 0.07293; ExAC 0.07019; 1000 Genomes Project 0.07508; ESP Exome Variant Server 0.07677; 1000 Genomes Project 30x 0.07948; gnomAD 0.08274 and 0.08470; TOPMed 0.08715.
gnomAD v4.1: 97,132 of 1,572,444 alleles (6.2%); highest among the groups gnomAD compares: Admixed American, 15%; 3,656 homozygotes.

Submissions (6):

Labcorp Genetics (formerly Invitae), Labcorp
Classification: Benign. Last evaluated: 2026-02-03. Review status: criteria provided, single submitter. Criteria: Invitae Variant Classification Sherloc (09022015). Collection method: clinical testing. Allele origin: germline.

Illumina Laboratory Services, Illumina
Classification: Benign for Progressive external ophthalmoplegia with mitochondrial DNA deletions, autosomal dominant 4. Last evaluated: 2018-01-13. Review status: criteria provided, single submitter. Criteria: ICSL Variant Classification Criteria 13 December 2019. Collection method: clinical testing. Allele origin: germline.
Comment: This variant was observed in the ICSL laboratory as part of a predisposition screen in an ostensibly healthy population. It had not been previously curated by ICSL or reported in the Human Gene Mutation Database (HGMD: prior to June 1st, 2018), and was therefore a candidate for classification through an automated scoring system. Utilizing variant allele frequency, disease prevalence and penetrance estimates, and inheritance mode, an automated score was calculated to assess if this variant is too frequent to cause the disease. Based on the score and internal cut-off values, a variant classified as benign is not then subjected to further curation. The score for this variant resulted in a classification of benign for this disease.

GeneDx
Classification: Benign. Last evaluated: 2011-10-17. Review status: criteria provided, single submitter. Criteria: GeneDx Variant Classification (06012015). Collection method: clinical testing. Allele origin: germline. Affected: yes.
Comment: This variant is considered likely benign or benign based on one or more of the following criteria: it is a conservative change, it occurs at a poorly conserved position in the protein, it is predicted to be benign by multiple in silico algorithms, and/or has population frequency not consistent with disease.

Breakthrough Genomics
Classification: Benign. Review status: criteria provided, single submitter. Criteria: ACMG Guidelines, 2015. Collection method: not provided. Allele origin: germline. Inheritance: Autosomal recessive inheritance. Affected: yes.

PreventionGenetics, part of Exact Sciences
Classification: Benign. Review status: criteria provided, single submitter. Criteria: ACMG Guidelines, 2015. Collection method: clinical testing. Allele origin: germline.

Mayo Clinic Laboratories, Mayo Clinic
Classification: Benign. Last evaluated: 2016-02-22. Review status: no assertion criteria provided. Collection method: clinical testing. Allele origin: unknown. Not counted in ClinVar's aggregate classification.